The following is an entry in ClinVar:

ClinVar aggregate classification (germline): Pathogenic (1 of 4 stars; one submission).

Conditions:
Pontocerebellar hypoplasia type 1A (PCH1A). Also called: PONTOCEREBELLAR HYPOPLASIA WITH INFANTILE SPINAL MUSCULAR ATROPHY; PONTOCEREBELLAR HYPOPLASIA WITH ANTERIOR HORN CELL DISEASE. Identifiers: Orphanet 2254, Orphanet 88616, MedGen C1843504, MONDO:0011866, OMIM 607596.

Submission:

Labcorp Genetics (formerly Invitae), Labcorp
Classification: Pathogenic for Pontocerebellar hypoplasia type 1A. Last evaluated: 2021-02-04. Review status: criteria provided, single submitter. Criteria: Invitae Variant Classification Sherloc (09022015). Collection method: clinical testing. Allele origin: germline.
Comment: This variant is an out-of-frame deletion of the genomic region encompassing exons 4-5 of the VRK1 gene. This is expected to create a premature translational stop signal and result in an absent or disrupted protein product. This variant has not been reported in the literature in individuals with VRK1-related disease. Loss-of-function variants in VRK1 are known to be pathogenic (PMID: 19646678). For these reasons, this variant has been classified as Pathogenic.

Literature cited by the submitters: PubMed 19646678.

NC_000014.9:g.(?_96846085)_(96847354_?)del

Gene: VRK1 (VRK serine/threonine kinase 1; plus strand). Cytogenetic location: 14q32.2.
Variant type: Deletion.
Identifiers: ClinVar variation 832438 (VCV000832438.43).